The following is an entry in ClinVar:

ClinVar aggregate classification (germline): Conflicting classifications of pathogenicity. Review status: criteria provided, conflicting classifications (1 of 4 stars). 6 submissions from 6 submitters: Uncertain significance (4); Likely benign (1). 1 of the submissions does not count toward it. Last evaluated 2024-04-24.

Conditions:
LRP2-related disorder. Also called: LRP2-related condition.
Inborn genetic diseases. Identifiers: MedGen C0950123, MeSH D030342.
Donnai-Barrow syndrome. Also called: FACIOOCULOACOUSTICORENAL SYNDROME; DBS/FOAR SYNDROME. Identifiers: Orphanet 2143, MedGen C1857277, MONDO:0009104, OMIM 222448.

Allele frequency attached by ClinVar (database versions not stated): gnomAD 0.00001 and 0.00003; TOPMed 0.00001; gnomAD exomes 0.00004 and 0.00006; ExAC 0.00006; 1000 Genomes Project 30x 0.00016; 1000 Genomes Project 0.00020.
gnomAD v4.1: 84 of 1,614,240 alleles (0.0052%); highest among the groups gnomAD compares: East Asian, 0.19%; no homozygotes.

Submissions (6):

Ambry Genetics
Classification: Uncertain significance for Inborn genetic diseases. Last evaluated: 2024-04-24. Review status: criteria provided, single submitter. Criteria: Ambry Variant Classification Scheme 2023. Collection method: clinical testing. Allele origin: germline.

Blueprint Genetics
Classification: Likely benign. Last evaluated: 2023-09-25. Review status: criteria provided, single submitter. Criteria: ACMG Guidelines, 2015. Collection method: clinical testing. Allele origin: germline.

Labcorp Genetics (formerly Invitae), Labcorp
Classification: Uncertain significance. Last evaluated: 2022-09-06. Review status: criteria provided, single submitter. Criteria: Invitae Variant Classification Sherloc (09022015). Collection method: clinical testing. Allele origin: germline.
Comment: This sequence change replaces serine, which is neutral and polar, with glycine, which is neutral and non-polar, at codon 3632 of the LRP2 protein (p.Ser3632Gly). This variant is present in population databases (rs17848188, gnomAD 0.06%). This variant has not been reported in the literature in individuals affected with LRP2-related conditions. ClinVar contains an entry for this variant (Variation ID: 894266). Advanced modeling of protein sequence and biophysical properties (such as structural, functional, and spatial information, amino acid conservation, physicochemical variation, residue mobility, and thermodynamic stability) performed at Invitae indicates that this missense variant is not expected to disrupt LRP2 protein function. In summary, the available evidence is currently insufficient to determine the role of this variant in disease. Therefore, it has been classified as a Variant of Uncertain Significance.

Fulgent Genetics
Classification: Uncertain significance for Donnai-Barrow syndrome. Last evaluated: 2022-03-16. Review status: criteria provided, single submitter. Criteria: ACMG Guidelines, 2015. Collection method: clinical testing. Allele origin: unknown.

Illumina Laboratory Services, Illumina
Classification: Uncertain significance for Donnai-Barrow syndrome. Last evaluated: 2018-01-13. Review status: criteria provided, single submitter. Criteria: ICSL Variant Classification Criteria 13 December 2019. Collection method: clinical testing. Allele origin: germline.

PreventionGenetics, part of Exact Sciences
Classification: Uncertain significance for LRP2-related condition. Last evaluated: 2023-12-11. Review status: no assertion criteria provided. Collection method: clinical testing. Allele origin: germline. Not counted in ClinVar's aggregate classification.
Comment: The LRP2 c.10894A>G variant is predicted to result in the amino acid substitution p.Ser3632Gly. To our knowledge, this variant has not been reported in the literature. This variant is reported in 0.054% of alleles in individuals of East Asian descent in gnomAD. Although we suspect that this variant may be benign, at this time, the clinical significance of this variant is uncertain due to the absence of conclusive functional and genetic evidence.

NM_004525.3(LRP2):c.10894A>G (p.Ser3632Gly)

Gene: LRP2 (LDL receptor related protein 2; minus strand). Cytogenetic location: 2q31.1.
Variant type: single nucleotide variant.
Coding change: c.10894A>G on transcript NM_004525.3 (MANE Select); coding-DNA position 10894, A replaced by G.
Protein change: p.Ser3632Gly; replaces serine 3632 with glycine.
Molecular consequence: missense variant.
Genome position (GRCh38, 1-based): chr2:169,174,039, T>C on the plus strand (A>G on the coding strand, the complement: LRP2 is on the minus strand). VCF-style: chr2-169174039-T-C. GRCh37 (hg19) VCF-style: chr2-170030549-T-C.
Other names: short protein forms S3632G.
Identifiers: ClinVar variation 894266 (VCV000894266.10), dbSNP rs17848188, ClinGen allele CA1953224.